The following is an entry in ClinVar:

NM_005765.3(ATP6AP2):c.702A>G (p.Arg234=)

Gene: ATP6AP2 (ATPase H+ transporting accessory protein 2; plus strand). Cytogenetic location: Xp11.4.
Variant type: single nucleotide variant.
Coding change: c.702A>G on transcript NM_005765.3 (MANE Select); coding-DNA position 702, A replaced by G.
Protein change: p.Arg234=; no amino-acid change (arginine 234 retained).
Molecular consequence: synonymous variant.
Genome position (GRCh38, 1-based): chrX:40,599,705, A>G. VCF-style: chrX-40599705-A-G. GRCh37 (hg19) VCF-style: chrX-40458957-A-G.
Identifiers: ClinVar variation 3905015 (VCV003905015.10).

ClinVar aggregate classification (germline): Likely benign (1 of 4 stars; one submission).

Submission:

CeGaT Center for Human Genetics Tuebingen
Classification: Likely benign. Last evaluated: 2025-06-01. Review status: criteria provided, single submitter. Criteria: CeGaT Center For Human Genetics Tuebingen Variant Classification Criteria Version 2. Collection method: clinical testing. Allele origin: germline. Affected: yes. Observed: 1 variant allele.
Comment: ATP6AP2: PM2:Supporting, BP4, BP7